The following is an entry in ClinVar:

NM_000256.3(MYBPC3):c.3072C>A (p.Ser1024Arg)

Gene: MYBPC3 (myosin binding protein C3; minus strand). Cytogenetic location: 11p11.2.
Variant type: single nucleotide variant.
Coding change: c.3072C>A on transcript NM_000256.3 (MANE Select); coding-DNA position 3072, C replaced by A.
Protein change: p.Ser1024Arg; replaces serine 1024 with arginine.
Molecular consequence: missense variant.
Genome position (GRCh38, 1-based): chr11:47,333,675, G>T on the plus strand (C>A on the coding strand, the complement: MYBPC3 is on the minus strand). VCF-style: chr11-47333675-G-T. GRCh37 (hg19) VCF-style: chr11-47355226-G-T.
Other names: short protein forms S1024R.
Identifiers: ClinVar variation 919996 (VCV000919996.13), dbSNP rs767605155, ClinGen allele CA079110.

ClinVar aggregate classification (germline): Uncertain significance. Review status: criteria provided, multiple submitters, no conflicts (2 of 4 stars). 3 submissions from 3 submitters: Uncertain significance (3). Last evaluated 2025-10-20.

Conditions:
Cardiomyopathy (CMYO). Also called: Cardiomyopathies. Identifiers: Orphanet 167848, MedGen C0878544, MONDO:0004994, HP:0001638. Inheritance: Various modes of inheritance.
Hypertrophic cardiomyopathy. Also called: HYPERTROPHIC MYOCARDIOPATHY. Identifiers: Orphanet 217569, MedGen C0007194, MeSH D002312, MONDO:0005045, HP:0001639.
Hypertrophic cardiomyopathy 4. Also called: Familial hypertrophic cardiomyopathy 4. Identifiers: MedGen C1861862, MONDO:0007268, OMIM 115197.

Allele frequency attached by ClinVar (database versions not stated): TOPMed 0.00001; gnomAD exomes 0.00002; ExAC 0.00003.

Submissions (3):

3billion
Classification: Uncertain significance for Hypertrophic cardiomyopathy 4. Last evaluated: 2025-10-20. Review status: criteria provided, single submitter. Criteria: ACMG Guidelines, 2015. Collection method: clinical testing. Allele origin: germline. Affected: yes.
Comment: The variant is observed at an extremely low frequency in the gnomAD v4.1.0 dataset (total allele frequency: <0.001%). Predicted Consequence/Location: Missense variant In silico tool predictions suggest damaging effect of the variant on gene or gene product [3Cnet: 0.94 (> 0.75, sensitivity 0.96 and precision 0.92)]. The same nucleotide change resulting in the same amino acid change has been previously reported to be associated with MYBPC3-related disorder (PMID: 32901917). However, the evidence of pathogenicity is insufficient at this time. Therefore, this variant is classified as VUS according to the recommendation of ACMG/AMP guideline.

Labcorp Genetics (formerly Invitae), Labcorp
Classification: Uncertain significance for Hypertrophic cardiomyopathy. Last evaluated: 2025-10-02. Review status: criteria provided, single submitter. Criteria: Invitae Variant Classification Sherloc (09022015). Collection method: clinical testing. Allele origin: germline.
Comment: This sequence change replaces serine, which is neutral and polar, with arginine, which is basic and polar, at codon 1024 of the MYBPC3 protein (p.Ser1024Arg). This variant is present in population databases (rs767605155, gnomAD 0.03%). This missense change has been observed in individual(s) with hypertrophic cardiomyopathy and/or MYBPC3-related conditions (PMID: 32901917, 33658040). ClinVar contains an entry for this variant (Variation ID: 919996). An algorithm developed to predict the effect of missense changes on protein structure and function (PolyPhen-2) suggests that this variant is likely to be disruptive. In summary, the available evidence is currently insufficient to determine the role of this variant in disease. Therefore, it has been classified as a Variant of Uncertain Significance.

Color Diagnostics, LLC DBA Color Health
Classification: Uncertain significance for Cardiomyopathy. Last evaluated: 2019-08-16. Review status: criteria provided, single submitter. Criteria: ACMG Guidelines, 2015. Collection method: clinical testing. Allele origin: germline.
Comment: This missense variant replaces serine with arginine at codon 1024 of the MYBPC3 protein. Computational prediction tools and conservation analyses suggest that this variant may have deleterious impact on the protein function. Computational splicing tools suggest that this variant may not impact RNA splicing. To our knowledge, functional assays have not been performed for this variant nor has this variant been reported in individuals affected with cardiovascular disorders in the literature. This variant has been identified in 4/246948 chromosomes in the general population by the Genome Aggregation Database (gnomAD). Available evidence is insufficient to determine the role of this variant in disease conclusively. Therefore, this variant is classified as a Variant of Uncertain Significance.

Literature cited by the submitters: PubMed 32901917 (cited by 3billion and Labcorp Genetics (formerly Invitae), Labcorp); PubMed 33658040 (cited by Labcorp Genetics (formerly Invitae), Labcorp).